The following is an entry in ClinVar:

NM_006567.5(FARS2):c.613-315T>A

Gene: FARS2 (phenylalanyl-tRNA synthetase 2, mitochondrial; plus strand). Cytogenetic location: 6p25.1.
Variant type: single nucleotide variant.
Coding change: c.613-315T>A on transcript NM_006567.5 (MANE Select); 315 bases into the intron before coding-DNA position 613, T replaced by A.
Molecular consequence: intron variant.
Genome position (GRCh38, 1-based): chr6:5,404,227, T>A. VCF-style: chr6-5404227-T-A. GRCh37 (hg19) VCF-style: chr6-5404460-T-A.
Other names: c.613-315T>A (NM_001374878.1, NM_001318872.2, NM_001374877.1 and 5 more transcripts); c.-84-315T>A (NM_001375260.1, NM_001375259.1).
Identifiers: ClinVar variation 680949 (VCV000680949.1), dbSNP rs58648213, ClinGen allele CA134315020.

ClinVar aggregate classification (germline): Benign (1 of 4 stars; one submission).

Allele frequency attached by ClinVar (database versions not stated): gnomAD 0.03417 and 0.03709; 1000 Genomes Project 0.03674; TOPMed 0.03854; 1000 Genomes Project 30x 0.04060.
gnomAD v4.1: 5,158 of 152,306 alleles (3.4%); highest among the groups gnomAD compares: African/African-American, 12%; 315 homozygotes.

Submission:

GeneDx
Classification: Benign. Last evaluated: 2018-06-16. Review status: criteria provided, single submitter. Criteria: GeneDx Variant Classification (06012015). Collection method: clinical testing. Allele origin: germline. Affected: yes.
Comment: This variant is considered likely benign or benign based on one or more of the following criteria: it is a conservative change, it occurs at a poorly conserved position in the protein, it is predicted to be benign by multiple in silico algorithms, and/or has population frequency not consistent with disease.